The following is an entry in ClinVar:

ClinVar aggregate classification (germline): Pathogenic/Likely pathogenic. Review status: criteria provided, multiple submitters, no conflicts (2 of 4 stars). 2 submissions from 2 submitters: Pathogenic (1); Likely pathogenic (1). Last evaluated 2025-10-04.

Conditions:
HYPERHOMOCYSTEINEMIA, THROMBOTIC, CBS-RELATED. Identifiers: MedGen C3150344, OMIM 236200.
CBS-related disorder. Also called: CBS-related condition.

Submissions (2):

PreventionGenetics, part of Exact Sciences
Classification: Likely pathogenic for CBS-related condition. Last evaluated: 2025-10-04. Review status: criteria provided, single submitter. Criteria: ACMG Guidelines, 2015. Collection method: clinical testing. Allele origin: germline.
Comment: The CBS c.624G>A variant is predicted to result in premature protein termination (p.Trp208*). To our knowledge, this variant has not been reported in the literature. This variant is reported in 0.012% of alleles in individuals of African descent in gnomAD. Nonsense variants in CBS are expected to be pathogenic. This variant is interpreted as likely pathogenic.

Labcorp Genetics (formerly Invitae), Labcorp
Classification: Pathogenic for HYPERHOMOCYSTEINEMIA, THROMBOTIC, CBS-RELATED. Last evaluated: 2023-09-27. Review status: criteria provided, single submitter. Criteria: Invitae Variant Classification Sherloc (09022015). Collection method: clinical testing. Allele origin: germline.
Comment: This variant has not been reported in the literature in individuals affected with CBS-related conditions. This variant is present in population databases (no rsID available, gnomAD 0.01%). This sequence change creates a premature translational stop signal (p.Trp208*) in the CBS gene. It is expected to result in an absent or disrupted protein product. Loss-of-function variants in CBS are known to be pathogenic (PMID: 10338090, 12124992). ClinVar contains an entry for this variant (Variation ID: 1452782). For these reasons, this variant has been classified as Pathogenic.

Literature cited by the submitters: PubMed 10338090 (cited by Labcorp Genetics (formerly Invitae), Labcorp); PubMed 12124992 (cited by Labcorp Genetics (formerly Invitae), Labcorp).

NM_000071.3(CBS):c.624G>A (p.Trp208Ter)

Gene: CBS (cystathionine beta-synthase; minus strand). Cytogenetic location: 21q22.3.
Variant type: single nucleotide variant.
Coding change: c.624G>A on transcript NM_000071.3 (MANE Select); coding-DNA position 624, G replaced by A.
Protein change: p.Trp208Ter; replaces tryptophan 208 with a stop codon.
Molecular consequence: nonsense.
Genome position (GRCh38, 1-based): chr21:43,065,429, C>T on the plus strand (G>A on the coding strand, the complement: CBS is on the minus strand). VCF-style: chr21-43065429-C-T. GRCh37 (hg19) VCF-style: chr21-44485539-C-T.
Other names: c.624G>A, p.Trp208Ter (NM_001178008.3, NM_001178009.3, NM_001320298.2); c.309G>A, p.Trp103Ter (NM_001321072.1); c.624G>A (NM_000071.2); short protein forms W208*, W103*.
Identifiers: ClinVar variation 1452782 (VCV001452782.7), dbSNP rs774174074, ClinGen allele CA410600884.